The following is an entry in ClinVar:

ClinVar aggregate classification (germline): Likely pathogenic (1 of 4 stars; one submission).

Submission:

Labcorp Genetics (formerly Invitae), Labcorp
Classification: Likely pathogenic. Last evaluated: 2024-12-16. Review status: criteria provided, single submitter. Criteria: Invitae Variant Classification Sherloc (09022015). Collection method: clinical testing. Allele origin: germline.
Comment: This variant results in the deletion of part of exon 9 (c.1072_1078+28del) of the HSPG2 gene. It is expected to disrupt RNA splicing. Variants that disrupt the donor or acceptor splice site typically lead to a loss of protein function (PMID: 16199547), and loss-of-function variants in HSPG2 are known to be pathogenic (PMID: 11279527, 16927315, 20542149, 23836246). The frequency data for this variant in the population databases is considered unreliable, as metrics indicate poor data quality at this position in the gnomAD database. This variant has not been reported in the literature in individuals affected with HSPG2-related conditions. In summary, the currently available evidence indicates that the variant is pathogenic, but additional data are needed to prove that conclusively. Therefore, this variant has been classified as Likely Pathogenic.

Literature cited by the submitters: PubMed 16199547; PubMed 11279527; PubMed 16927315; PubMed 20542149; PubMed 23836246.

NM_005529.7(HSPG2):c.1072_1078+28del

Gene: HSPG2 (heparan sulfate proteoglycan 2; minus strand). Cytogenetic location: 1p36.12.
Variant type: Deletion.
Coding change: c.1072_1078+28del on transcript NM_005529.7 (MANE Select); coding-DNA position 1072 through 28 bases into the intron after coding-DNA position 1078, 35 bases deleted.
Molecular consequence: splice donor variant.
Genome position (GRCh38, 1-based): chr1:21,887,187-21,887,221, 35 bases deleted; deleting any 35 consecutive bases within chr1:21,887,187-21,887,224 gives the same sequence; the c. name uses the placement nearest the transcript's 3' end. GRCh37 (hg19): chr1:22,213,683-22,213,717.
Other names: c.1072_1078+28del (NM_001291860.2).
Identifiers: ClinVar variation 3619490 (VCV003619490.2).